The following is an entry in ClinVar:

ClinVar aggregate classification (germline): Uncertain significance. Review status: criteria provided, multiple submitters, no conflicts (2 of 4 stars). 2 submissions from 2 submitters: Uncertain significance (2). Last evaluated 2022-08-09.

Conditions:
Progressive myoclonic epilepsy type 8. Identifiers: Orphanet 424027, MedGen C5190825, MONDO:0014545, OMIM 616230.

Allele frequency attached by ClinVar (database versions not stated): gnomAD 0.00003; gnomAD exomes 0.00003 and 0.00005; TOPMed 0.00003; ExAC 0.00007; ESP Exome Variant Server 0.00024.
gnomAD v4.1: 46 of 1,611,688 alleles (0.0029%); highest among the groups gnomAD compares: South Asian, 0.0099%; no homozygotes.

Submissions (2):

Labcorp Genetics (formerly Invitae), Labcorp
Classification: Uncertain significance for Progressive myoclonic epilepsy type 8. Last evaluated: 2022-08-09. Review status: criteria provided, single submitter. Criteria: Invitae Variant Classification Sherloc (09022015). Collection method: clinical testing. Allele origin: germline.
Comment: This sequence change replaces proline, which is neutral and non-polar, with leucine, which is neutral and non-polar, at codon 140 of the CERS1 protein (p.Pro140Leu). This variant is present in population databases (rs202201774, gnomAD 0.008%). This variant has not been reported in the literature in individuals affected with CERS1-related conditions. ClinVar contains an entry for this variant (Variation ID: 577580). Algorithms developed to predict the effect of missense changes on protein structure and function (SIFT, PolyPhen-2, Align-GVGD) all suggest that this variant is likely to be tolerated. In summary, the available evidence is currently insufficient to determine the role of this variant in disease. Therefore, it has been classified as a Variant of Uncertain Significance.

Blueprint Genetics
Classification: Uncertain significance. Last evaluated: 2021-03-24. Review status: criteria provided, single submitter. Criteria: ACMG Guidelines, 2015. Collection method: clinical testing. Allele origin: germline.

NM_021267.5(CERS1):c.419C>T (p.Pro140Leu)

Genes: GDF1 (growth differentiation factor 1; minus strand), CERS1 (ceramide synthase 1; minus strand). Cytogenetic location: 19p13.11.
Variant type: single nucleotide variant.
Coding change: c.419C>T on transcript NM_021267.5 (MANE Select); coding-DNA position 419, C replaced by T.
Protein change: p.Pro140Leu; replaces proline 140 with leucine.
Molecular consequence: missense variant. On other transcripts: 5 prime UTR variant (2).
Genome position (GRCh38, 1-based): chr19:18,884,258, G>A on the plus strand (C>T on the coding strand, the complement: CERS1 is on the minus strand). VCF-style: chr19-18884258-G-A. GRCh37 (hg19) VCF-style: chr19-18995067-G-A.
Other names: c.125C>T, p.Pro42Leu (NM_001290265.2, NM_001387442.1, NM_001387443.1 and 2 more transcripts); c.419C>T, p.Pro140Leu (NM_001387439.1, NM_001387440.1, NM_001387441.1 and 1 more transcripts); c.-484C>T (NM_001387438.1); c.-904C>T (NM_001492.6); short protein forms P140L, P42L.
Identifiers: ClinVar variation 577580 (VCV000577580.7), dbSNP rs202201774, ClinGen allele CA9318264.